The following is an entry in ClinVar:

NM_006231.4(POLE):c.2263G>A (p.Val755Met)

Gene: POLE (DNA polymerase epsilon, catalytic subunit; minus strand). Cytogenetic location: 12q24.33.
Variant type: single nucleotide variant.
Coding change: c.2263G>A on transcript NM_006231.4 (MANE Select); coding-DNA position 2263, G replaced by A.
Protein change: p.Val755Met; replaces valine 755 with methionine.
Molecular consequence: missense variant.
Genome position (GRCh38, 1-based): chr12:132,667,559, C>T on the plus strand (G>A on the coding strand, the complement: POLE is on the minus strand). VCF-style: chr12-132667559-C-T. GRCh37 (hg19) VCF-style: chr12-133244145-C-T.
Other names: c.2263G>A (NM_006231.2); short protein forms V755M.
Identifiers: ClinVar variation 580057 (VCV000580057.13), dbSNP rs1222472060, ClinGen allele CA387352184.

ClinVar aggregate classification (germline): Uncertain significance. Review status: criteria provided, multiple submitters, no conflicts (2 of 4 stars). 3 submissions from 3 submitters: Uncertain significance (3). Last evaluated 2025-12-18.

Conditions:
Hereditary cancer-predisposing syndrome. Also called: Neoplastic Syndromes, Hereditary; Tumor predisposition; Hereditary neoplastic syndrome; Hereditary Cancer Syndrome. Identifiers: Orphanet 140162, MedGen C0027672, MeSH D009386, MONDO:0015356.

Allele frequency attached by ClinVar (database versions not stated): gnomAD exomes below 0.00001; TOPMed below 0.00001; gnomAD 0.00001.
gnomAD v4.1: 2 of 1,613,814 alleles (0.00012%); highest among the groups gnomAD compares: Non-Finnish European, 0.000085%; no homozygotes.

Submissions (3):

Labcorp Genetics (formerly Invitae), Labcorp
Classification: Uncertain significance. Last evaluated: 2025-12-18. Review status: criteria provided, single submitter. Criteria: Invitae Variant Classification Sherloc (09022015). Collection method: clinical testing. Allele origin: germline.
Comment: This sequence change replaces valine, which is neutral and non-polar, with methionine, which is neutral and non-polar, at codon 755 of the POLE protein (p.Val755Met). This variant is not present in population databases (gnomAD no frequency). This variant has not been reported in the literature in individuals affected with POLE-related conditions. ClinVar contains an entry for this variant (Variation ID: 580057). Invitae Evidence Modeling of protein sequence and biophysical properties (such as structural, functional, and spatial information, amino acid conservation, physicochemical variation, residue mobility, and thermodynamic stability) indicates that this missense variant is expected to disrupt POLE protein function with a positive predictive value of 80%. In summary, the available evidence is currently insufficient to determine the role of this variant in disease. Therefore, it has been classified as a Variant of Uncertain Significance.

Ambry Genetics
Classification: Uncertain significance for Hereditary cancer-predisposing syndrome. Last evaluated: 2025-12-04. Review status: criteria provided, single submitter. Criteria: Ambry Variant Classification Scheme 2023. Collection method: clinical testing. Allele origin: germline.
Comment: The p.V755M variant (also known as c.2263G>A), located in coding exon 20 of the POLE gene, results from a G to A substitution at nucleotide position 2263. The valine at codon 755 is replaced by methionine, an amino acid with highly similar properties. This amino acid position is highly conserved in available vertebrate species. In addition, the in silico prediction for this alteration is inconclusive. Based on the available evidence, the clinical significance of this variant remains unclear.

GeneDx
Classification: Uncertain significance. Last evaluated: 2023-09-20. Review status: criteria provided, single submitter. Criteria: GeneDx Variant Classification Process June 2021. Collection method: clinical testing. Allele origin: germline. Affected: yes.
Comment: Not observed in large population cohorts (gnomAD); In silico analysis, which includes protein predictors and evolutionary conservation, supports a deleterious effect; Has not been previously published as pathogenic or benign to our knowledge; This variant is associated with the following publications: (PMID: 20951805)